The following is an entry in ClinVar:

ClinVar aggregate classification (germline): Conflicting classifications of pathogenicity. Review status: criteria provided, conflicting classifications (1 of 4 stars). 4 submissions from 4 submitters: Uncertain significance (3); Benign (1). Last evaluated 2025-10-23.

Conditions:
Hereditary cancer-predisposing syndrome. Also called: Hereditary neoplastic syndrome; Tumor predisposition; Hereditary Cancer Syndrome; Neoplastic Syndromes, Hereditary. Identifiers: Orphanet 140162, MedGen C0027672, MeSH D009386, MONDO:0015356.
Tuberous sclerosis 2 (TSC2). Identifiers: Orphanet 805, MedGen C1860707, MONDO:0013199, OMIM 613254.

gnomAD v4.1: 10 of 1,612,412 alleles (0.00062%); highest among the groups gnomAD compares: Non-Finnish European, 0.00076%; no homozygotes.

Submissions (4):

Ambry Genetics
Classification: Uncertain significance for Hereditary cancer-predisposing syndrome. Last evaluated: 2025-10-23. Review status: criteria provided, single submitter. Criteria: Ambry Variant Classification Scheme 2023. Collection method: clinical testing. Allele origin: germline.
Comment: The p.Y1760S variant (also known as c.5279A>C), located in coding exon 41 of the TSC2 gene, results from an A to C substitution at nucleotide position 5279. The tyrosine at codon 1760 is replaced by serine, an amino acid with dissimilar properties. This amino acid position is well conserved in available vertebrate species. In addition, the in silico prediction for this alteration is inconclusive. Since supporting evidence is limited at this time, the clinical significance of this alteration remains unclear.

Labcorp Genetics (formerly Invitae), Labcorp
Classification: Benign for Tuberous sclerosis 2. Last evaluated: 2024-05-07. Review status: criteria provided, single submitter. Criteria: Invitae Variant Classification Sherloc (09022015). Collection method: clinical testing. Allele origin: germline.

GeneDx
Classification: Uncertain significance. Last evaluated: 2023-06-28. Review status: criteria provided, single submitter. Criteria: GeneDx Variant Classification Process June 2021. Collection method: clinical testing. Allele origin: germline. Affected: yes.
Comment: Not observed at significant frequency in large population cohorts (gnomAD); In silico analysis supports that this missense variant does not alter protein structure/function; Has not been previously published as pathogenic or benign to our knowledge; This variant is associated with the following publications: (PMID: 27397505, 30975989)

Genome-Nilou Lab
Classification: Uncertain significance for Tuberous sclerosis 2. Last evaluated: 2021-11-07. Review status: criteria provided, single submitter. Criteria: ACMG Guidelines, 2015. Collection method: clinical testing. Allele origin: germline. Affected: no.

NM_000548.5(TSC2):c.5279A>C (p.Tyr1760Ser)

Gene: TSC2 (TSC complex subunit 2; plus strand). Cytogenetic location: 16p13.3.
Variant type: single nucleotide variant.
Coding change: c.5279A>C on transcript NM_000548.5 (MANE Select); coding-DNA position 5279, A replaced by C.
Protein change: p.Tyr1760Ser; replaces tyrosine 1760 with serine.
Molecular consequence: missense variant.
Genome position (GRCh38, 1-based): chr16:2,088,465, A>C. VCF-style: chr16-2088465-A-C. GRCh37 (hg19) VCF-style: chr16-2138466-A-C.
Other names: c.5081A>C, p.Tyr1694Ser (NM_001363528.2); c.5147A>C, p.Tyr1716Ser (NM_001370404.1); c.5138A>C, p.Tyr1713Ser (NM_001370405.1); c.5150A>C, p.Tyr1717Ser (NM_021055.3); c.5078A>C, p.Tyr1693Ser (NM_001077183.3); c.5210A>C, p.Tyr1737Ser (NM_001114382.3); c.4970A>C, p.Tyr1657Ser (NM_001318827.2); c.4934A>C, p.Tyr1645Ser (NM_001318829.2); and 2 more; short protein forms Y1760S, Y1516S, Y1737S, Y1657S, Y1694S, Y1693S, Y1704S, Y1713S.
Identifiers: ClinVar variation 581066 (VCV000581066.16), dbSNP rs1261020269, ClinGen allele CA394315177.